The following is an entry in ClinVar:

NM_018206.6(VPS35):c.151G>A (p.Gly51Ser)

Gene: VPS35 (VPS35 retromer complex component; minus strand). Cytogenetic location: 16q11.2.
Variant type: single nucleotide variant.
Coding change: c.151G>A on transcript NM_018206.6 (MANE Select); coding-DNA position 151, G replaced by A.
Protein change: p.Gly51Ser; replaces glycine 51 with serine.
Molecular consequence: missense variant.
Genome position (GRCh38, 1-based): chr16:46,682,127, C>T on the plus strand (G>A on the coding strand, the complement: VPS35 is on the minus strand). VCF-style: chr16-46682127-C-T. GRCh37 (hg19) VCF-style: chr16-46716039-C-T.
Other names: short protein forms G51S.
Identifiers: ClinVar variation 487668 (VCV000487668.17), dbSNP rs193077277, ClinGen allele CA8037106.

ClinVar aggregate classification (germline): Conflicting classifications of pathogenicity. Review status: criteria provided, conflicting classifications (1 of 4 stars). 5 submissions from 5 submitters: Uncertain significance (1); Benign (1); Likely benign (2). 1 of the submissions does not count toward it. Last evaluated 2025-10-23.

Conditions:
Parkinson disease 17 (PARK17). Also called: VPS35-Related Parkinson Disease. Identifiers: Orphanet 411602, MedGen C3280133, MONDO:0013625, OMIM 614203.

Allele frequency attached by ClinVar (database versions not stated): gnomAD exomes 0.00021 and 0.00045; TOPMed 0.00009; gnomAD 0.00030 and 0.00028; ExAC 0.00042.
gnomAD v4.1: 371 of 1,613,488 alleles (0.023%); highest among the groups gnomAD compares: East Asian, 0.065%; 2 homozygotes.

Submissions (5):

Labcorp Genetics (formerly Invitae), Labcorp
Classification: Benign for Parkinson disease 17. Last evaluated: 2025-10-23. Review status: criteria provided, single submitter. Criteria: Invitae Variant Classification Sherloc (09022015). Collection method: clinical testing. Allele origin: germline.

GeneDx
Classification: Likely benign. Last evaluated: 2020-09-28. Review status: criteria provided, single submitter. Criteria: GeneDx Variant Classification Process June 2021. Collection method: clinical testing. Allele origin: germline. Affected: yes.
Comment: See Variant Classification Assertion Criteria.

Department of Neurology, Qilu Hospital of Shandong University
Classification: Uncertain significance for Parkinson disease 17. Last evaluated: 2019-11-01. Review status: criteria provided, single submitter. Criteria: ACMG2015. Collection method: clinical testing. Allele origin: germline. Affected: yes. Observed: 1 variant allele.

Breakthrough Genomics
Classification: Likely benign. Review status: criteria provided, single submitter. Criteria: ACMG Guidelines, 2015. Collection method: not provided. Allele origin: germline. Inheritance: Autosomal dominant inheritance. Affected: yes.

GeneReviews
No classification provided. Condition: Parkinson disease 17. Review status: no classification provided. Collection method: literature only. Allele origin: germline. Not counted in ClinVar's aggregate classification.

Literature cited by the submitters: PubMed 23125461 (cited by Department of Neurology, Qilu Hospital of Shandong University); PubMed 32740907 (cited by Department of Neurology, Qilu Hospital of Shandong University); NCBI Bookshelf NBK447258 (cited by GeneReviews); PubMed 28796472 (cited by GeneReviews).